The following is an entry in ClinVar:

NM_003072.5(SMARCA4):c.3847C>T (p.Pro1283Ser)

Gene: SMARCA4 (SWI/SNF related BAF chromatin remodeling complex subunit ATPase 4; plus strand). Cytogenetic location: 19p13.2.
Variant type: single nucleotide variant.
Coding change: c.3847C>T on transcript NM_003072.5 (MANE Select); coding-DNA position 3847, C replaced by T.
Protein change: p.Pro1283Ser; replaces proline 1283 with serine.
Molecular consequence: missense variant. On other transcripts: intron variant (6).
Genome position (GRCh38, 1-based): chr19:11,033,839, C>T. VCF-style: chr19-11033839-C-T. GRCh37 (hg19) VCF-style: chr19-11144515-C-T.
Other names: c.3847C>T, p.Pro1283Ser (NM_001128844.3, NM_001128849.3, NM_001387283.1); c.3775-284C>T (NM_001128847.4, NM_001411150.1, NM_001374457.1 and 3 more transcripts); short protein forms P1283S.
Identifiers: ClinVar variation 5029809 (VCV005029809.1).

ClinVar aggregate classification (germline): Uncertain significance (1 of 4 stars; one submission).

Conditions:
Hereditary cancer-predisposing syndrome. Also called: Neoplastic Syndromes, Hereditary; Tumor predisposition; Hereditary neoplastic syndrome; Hereditary Cancer Syndrome. Identifiers: Orphanet 140162, MedGen C0027672, MeSH D009386, MONDO:0015356.

Submission:

Ambry Genetics
Classification: Uncertain significance for Hereditary cancer-predisposing syndrome. Last evaluated: 2026-06-15. Review status: criteria provided, single submitter. Criteria: Ambry Variant Classification Scheme 2023. Collection method: clinical testing. Allele origin: germline.
Comment: The p.P1283S variant (also known as c.3847C>T), located in coding exon 26 of the SMARCA4 gene, results from a C to T substitution at nucleotide position 3847. The proline at codon 1283 is replaced by serine, an amino acid with similar properties. This amino acid position is conserved. In addition, this alteration is predicted to be tolerated by in silico analysis. Based on the available evidence, the clinical significance of this variant remains unclear.